The following is an entry in ClinVar:

ClinVar aggregate classification (germline): Uncertain significance (1 of 4 stars; one submission).

Submission:

Labcorp Genetics (formerly Invitae), Labcorp
Classification: Uncertain significance. Last evaluated: 2021-06-19. Review status: criteria provided, single submitter. Criteria: Invitae Variant Classification Sherloc (09022015). Collection method: clinical testing. Allele origin: germline.
Comment: In summary, the available evidence is currently insufficient to determine the role of this variant in disease. Therefore, it has been classified as a Variant of Uncertain Significance. Algorithms developed to predict the effect of missense changes on protein structure and function are either unavailable or do not agree on the potential impact of this missense change (SIFT: "Deleterious"; PolyPhen-2: "Possibly Damaging"; Align-GVGD: "Class C0"). This variant has not been reported in the literature in individuals with SETBP1-related conditions. This variant is not present in population databases (ExAC no frequency). This sequence change replaces valine with glycine at codon 1115 of the SETBP1 protein (p.Val1115Gly). The valine residue is highly conserved and there is a moderate physicochemical difference between valine and glycine.

NM_015559.3(SETBP1):c.3344T>G (p.Val1115Gly)

Gene: SETBP1 (SET binding protein 1; plus strand). Cytogenetic location: 18q12.3.
Variant type: single nucleotide variant.
Coding change: c.3344T>G on transcript NM_015559.3 (MANE Select); coding-DNA position 3344, T replaced by G.
Protein change: p.Val1115Gly; replaces valine 1115 with glycine.
Molecular consequence: missense variant.
Genome position (GRCh38, 1-based): chr18:44,952,684, T>G. VCF-style: chr18-44952684-T-G. GRCh37 (hg19) VCF-style: chr18-42532649-T-G.
Other names: c.3344T>G, p.Val1115Gly (NM_001379141.1, NM_001379142.1); short protein forms V1115G.
Identifiers: ClinVar variation 1469519 (VCV001469519.8), dbSNP rs2145111811, ClinGen allele CA402324232.
Genomic context (GRCh38, chr18:44,952,684, plus strand): 5'-TCCACACAAACTCCCACGTAAAGATGTCCGGTGCAGCTAAGCATAAAGCCAAGCATGGAG[T>G]ACACCTGCAGGGACCTGTTAGCATGGGCCTTGGTGACATGCAGCCTTCTCTGAACCCTCC-3'
Protein context (NP_056374.2, residues 1105-1125): GAAKHKAKHG[Val1115Gly]HLQGPVSMGL